The following is an entry in ClinVar:

NM_000051.4(ATM):c.7308-2_7308-1delinsTT

Genes: ATM (ATM serine/threonine kinase; plus strand), C11orf65 (chromosome 11 open reading frame 65; minus strand). Cytogenetic location: 11q22.3.
Variant type: Indel.
Coding change: c.7308-2_7308-1delinsTT on transcript NM_000051.4 (MANE Select); the canonical splice acceptor site of the intron before coding-DNA position 7308, AG replaced by TT.
Molecular consequence: splice acceptor variant. On other transcripts: intron variant (2).
Genome position (GRCh38, 1-based): chr11:108,330,212-108,330,213, AG replaced by TT. VCF-style: chr11-108330212-AG-TT. GRCh37 (hg19) VCF-style: chr11-108200939-AG-TT.
Other names: c.7308-2_7308-1delinsTT (NM_001351834.2); c.641-21142_641-21141delinsAA (NM_001330368.2); c.*38+5007_*38+5008delinsAA (NM_001351110.2).
Identifiers: ClinVar variation 1510542 (VCV001510542.8), dbSNP rs2136451316, ClinGen allele CA2573146667.

ClinVar aggregate classification (germline): Likely pathogenic (1 of 4 stars; one submission).

Conditions:
Ataxia-telangiectasia syndrome (AT). Also called: LOUIS-BAR SYNDROME; Cerebello-oculocutaneous telangiectasia; Immunodeficiency with ataxia telangiectasia; Ataxia telangiectasia (A-T); Ataxia-telangiectasia, complementation group D; AT, COMPLEMENTATION GROUP C. Identifiers: Orphanet 100, MedGen C0004135, MONDO:0008840, OMIM 208900.

Submission:

Labcorp Genetics (formerly Invitae), Labcorp
Classification: Likely pathogenic for Ataxia-telangiectasia syndrome. Last evaluated: 2021-05-20. Review status: criteria provided, single submitter. Criteria: Invitae Variant Classification Sherloc (09022015). Collection method: clinical testing. Allele origin: germline.
Comment: This sequence change affects a splice site in intron 49 of the ATM gene. It is expected to disrupt RNA splicing. Variants that disrupt the donor or acceptor splice site typically lead to a loss of protein function (PMID: 16199547), and loss-of-function variants in ATM are known to be pathogenic (PMID: 23807571, 25614872). In summary, the currently available evidence indicates that the variant is pathogenic, but additional data are needed to prove that conclusively. Therefore, this variant has been classified as Likely Pathogenic. Algorithms developed to predict the effect of sequence changes on RNA splicing suggest that this variant may disrupt the consensus splice site, but this prediction has not been confirmed by published transcriptional studies. This variant has not been reported in the literature in individuals with ATM-related conditions. The frequency data for this variant in the population databases is not available, as this variant may be reported as separate entries in the ExAC database.

Literature cited by the submitters: PubMed 16199547; PubMed 23807571; PubMed 25614872.